The following is an entry in ClinVar:

ClinVar aggregate classification (germline): Uncertain significance (1 of 4 stars; one submission).

Conditions:
DiGeorge syndrome. Also called: Catch22; THIRD AND FOURTH PHARYNGEAL POUCH SYNDROME. Identifiers: Orphanet 567, MedGen C0012236, MONDO:0008564, OMIM 188400.

Allele frequency attached by ClinVar (database versions not stated): TOPMed below 0.00001; gnomAD 0.00001; gnomAD exomes 0.00001; 1000 Genomes Project 30x 0.00016; 1000 Genomes Project 0.00020.

Submission:

Labcorp Genetics (formerly Invitae), Labcorp
Classification: Uncertain significance for DiGeorge syndrome. Last evaluated: 2022-11-24. Review status: criteria provided, single submitter. Criteria: Invitae Variant Classification Sherloc (09022015). Collection method: clinical testing. Allele origin: germline.
Comment: This sequence change replaces lysine, which is basic and polar, with glutamine, which is neutral and polar, at codon 417 of the TBX1 protein (p.Lys417Gln). In summary, the available evidence is currently insufficient to determine the role of this variant in disease. Therefore, it has been classified as a Variant of Uncertain Significance. Algorithms developed to predict the effect of missense changes on protein structure and function are either unavailable or do not agree on the potential impact of this missense change (SIFT: "Tolerated"; PolyPhen-2: "Probably Damaging"; Align-GVGD: "Class C0"). This variant has not been reported in the literature in individuals affected with TBX1-related conditions. This variant is present in population databases (rs571884633, gnomAD 0.004%).

NM_001379200.1(TBX1):c.1276A>C (p.Lys426Gln)

Gene: TBX1 (T-box transcription factor 1; plus strand). Cytogenetic location: 22q11.21.
Variant type: single nucleotide variant.
Coding change: c.1276A>C on transcript NM_001379200.1 (MANE Select); coding-DNA position 1276, A replaced by C.
Protein change: p.Lys426Gln; replaces lysine 426 with glutamine.
Molecular consequence: missense variant. On other transcripts: intron variant (2).
Genome position (GRCh38, 1-based): chr22:19,766,628, A>C. VCF-style: chr22-19766628-A-C. GRCh37 (hg19) VCF-style: chr22-19754151-A-C.
Other names: c.1249A>C, p.Lys417Gln (NM_080647.1); c.1009+626A>C (NM_005992.1, NM_080646.2); short protein forms K417Q, K426Q.
Identifiers: ClinVar variation 2186172 (VCV002186172.4), dbSNP rs571884633, ClinGen allele CA10102695.